The following is an entry in ClinVar:

NM_001371623.1(TCOF1):c.3794_3795del (p.Glu1265fs)

Gene: TCOF1 (treacle ribosome biogenesis factor 1; plus strand). Cytogenetic location: 5q32.
Variant type: Microsatellite.
Coding change: c.3794_3795del on transcript NM_001371623.1 (MANE Select); coding-DNA positions 3794 to 3795, 2 bases deleted (AG; older notation c.3794_3795delAG).
Protein change: p.Glu1265fs; shifts the reading frame from glutamic acid 1265.
Molecular consequence: frameshift variant.
Genome position (GRCh38, 1-based): chr5:150,396,291-150,396,292, AG deleted; deleting any 2 consecutive bases within chr5:150,396,289-150,396,292 gives the same sequence; the c. name uses the placement nearest the transcript's 3' end. VCF-style (leftmost placement, unchanged base first): chr5-150396288-AAG-A. GRCh37 (hg19) VCF-style: chr5-149775851-AAG-A.
Other names: c.3563_3564del, p.Glu1188fs (NM_001135245.2); c.3677_3678del, p.Glu1226fs (NM_001195141.2); c.3560_3561del, p.Glu1187fs (NM_001437406.1, NM_000356.4); c.3791_3792del, p.Glu1264fs (NM_001135243.2); c.3680_3681del, p.Glu1227fs (NM_001135244.2); short protein forms E1187fs, E1188fs, E1264fs, E1265fs, E1226fs, E1227fs.
Identifiers: ClinVar variation 4988492 (VCV004988492.1).

ClinVar aggregate classification (germline): Pathogenic (1 of 4 stars; one submission).

Conditions:
TCOF1-related disorder. Also called: TCOF1-related condition.

Submission:

PreventionGenetics, part of Exact Sciences
Classification: Pathogenic for TCOF1-related condition. Last evaluated: 2024-11-25. Review status: criteria provided, single submitter. Criteria: ACMG Guidelines, 2015. Collection method: clinical testing. Allele origin: germline.
Comment: The TCOF1 c.3791_3792delAG variant is predicted to result in a frameshift and premature protein termination (p.Glu1264Glyfs*44). To our knowledge, this variant has not been reported in the literature or in a large population database (gnomAD), indicating this variant is rare. Frameshift variants in TCOF1 are expected to be pathogenic. This variant is interpreted as pathogenic.